The following is an entry in ClinVar:

NM_001346754.2(PIGW):c.134_135del (p.Tyr45fs)

Genes: MYO19 (myosin XIX; minus strand), PIGW (phosphatidylinositol glycan anchor biosynthesis class W; plus strand). Cytogenetic location: 17q12.
Variant type: Deletion.
Coding change: c.134_135del on transcript NM_001346754.2 (MANE Select); coding-DNA positions 134 to 135, 2 bases deleted (AC; older notation c.134_135delAC).
Protein change: p.Tyr45fs; shifts the reading frame from tyrosine 45.
Molecular consequence: frameshift variant.
Genome position (GRCh38, 1-based): chr17:36,537,235-36,537,236, AC deleted. VCF-style (leftmost placement, unchanged base first): chr17-36537234-TAC-T. GRCh37 (hg19) VCF-style: chr17-34893083-TAC-T.
Other names: c.134_135del, p.Tyr45fs (NM_001346755.2, NM_178517.5); short protein forms Y45fs.
Identifiers: ClinVar variation 1360698 (VCV001360698.6), dbSNP rs1279743396, ClinGen allele CA728501736.

ClinVar aggregate classification (germline): Uncertain significance (1 of 4 stars; one submission).

Conditions:
Hyperphosphatasia with intellectual disability syndrome 5 (GPIBD11). Also called: GLYCOSYLPHOSPHATIDYLINOSITOL BIOSYNTHESIS DEFECT 11. Identifiers: Orphanet 247262, MedGen C4014958, MONDO:0014457, OMIM 616025.

Allele frequency attached by ClinVar (database versions not stated): gnomAD 0.00002; TOPMed 0.00002.

Submission:

Labcorp Genetics (formerly Invitae), Labcorp
Classification: Uncertain significance for Hyperphosphatasia with intellectual disability syndrome 5. Last evaluated: 2024-10-15. Review status: criteria provided, single submitter. Criteria: Invitae Variant Classification Sherloc (09022015). Collection method: clinical testing. Allele origin: germline.
Comment: This sequence change creates a premature translational stop signal (p.Tyr45Phefs*11) in the PIGW gene. While this is not anticipated to result in nonsense mediated decay, it is expected to disrupt the last 460 amino acid(s) of the PIGW protein. This variant is present in population databases (no rsID available, gnomAD 0.007%). This variant has not been reported in the literature in individuals affected with PIGW-related conditions. ClinVar contains an entry for this variant (Variation ID: 1360698). In summary, the available evidence is currently insufficient to determine the role of this variant in disease. Therefore, it has been classified as a Variant of Uncertain Significance.